The following is an entry in ClinVar:

ClinVar aggregate classification (germline): Uncertain significance (1 of 4 stars; one submission).

gnomAD v4.1: 1 of 1,595,088 alleles (0.000063%); highest among the groups gnomAD compares: Admixed American, 0.0017%; no homozygotes.

Submission:

Labcorp Genetics (formerly Invitae), Labcorp
Classification: Uncertain significance. Last evaluated: 2024-06-22. Review status: criteria provided, single submitter. Criteria: Invitae Variant Classification Sherloc (09022015). Collection method: clinical testing. Allele origin: germline.
Comment: This sequence change replaces glutamine, which is neutral and polar, with arginine, which is basic and polar, at codon 1058 of the SETD5 protein (p.Gln1058Arg). The frequency data for this variant in the population databases is considered unreliable, as metrics indicate poor data quality at this position in the gnomAD database. This variant has not been reported in the literature in individuals affected with SETD5-related conditions. ClinVar contains an entry for this variant (Variation ID: 1949633). Advanced modeling of protein sequence and biophysical properties (such as structural, functional, and spatial information, amino acid conservation, physicochemical variation, residue mobility, and thermodynamic stability) has been performed at Invitae for this missense variant, however the output from this modeling did not meet the statistical confidence thresholds required to predict the impact of this variant on SETD5 protein function. In summary, the available evidence is currently insufficient to determine the role of this variant in disease. Therefore, it has been classified as a Variant of Uncertain Significance.

NM_001080517.3(SETD5):c.3173A>G (p.Gln1058Arg)

Gene: SETD5 (SET domain containing 5; plus strand). Cytogenetic location: 3p25.3.
Variant type: single nucleotide variant.
Coding change: c.3173A>G on transcript NM_001080517.3 (MANE Select); coding-DNA position 3173, A replaced by G.
Protein change: p.Gln1058Arg; replaces glutamine 1058 with arginine.
Molecular consequence: missense variant.
Genome position (GRCh38, 1-based): chr3:9,470,907, A>G. VCF-style: chr3-9470907-A-G. GRCh37 (hg19) VCF-style: chr3-9512591-A-G.
Other names: c.2879A>G, p.Gln960Arg (NM_001292043.2, NM_001349451.2); short protein forms Q1058R, Q960R.
Identifiers: ClinVar variation 1949633 (VCV001949633.5), dbSNP rs1369415988, ClinGen allele CA351682937.